The following is an entry in ClinVar:

NM_013266.4(CTNNA3):c.475G>C (p.Glu159Gln)

Gene: CTNNA3 (catenin alpha 3; minus strand). Cytogenetic location: 10q21.3.
Variant type: single nucleotide variant.
Coding change: c.475G>C on transcript NM_013266.4 (MANE Select); coding-DNA position 475, G replaced by C.
Protein change: p.Glu159Gln; replaces glutamic acid 159 with glutamine.
Molecular consequence: missense variant.
Genome position (GRCh38, 1-based): chr10:67,521,946, C>G on the plus strand (G>C on the coding strand, the complement: CTNNA3 is on the minus strand). VCF-style: chr10-67521946-C-G. GRCh37 (hg19) VCF-style: chr10-69281704-C-G.
Other names: c.475G>C, p.Glu159Gln (NM_001127384.3); c.511G>C, p.Glu171Gln (NM_001291133.2); short protein forms E159Q, E171Q.
Identifiers: ClinVar variation 1742896 (VCV001742896.5), dbSNP rs756135810, ClinGen allele CA377097655.

ClinVar aggregate classification (germline): Uncertain significance. Review status: criteria provided, multiple submitters, no conflicts (2 of 4 stars). 2 submissions from 2 submitters: Uncertain significance (2). Last evaluated 2025-11-24.

Conditions:
Arrhythmogenic right ventricular dysplasia 13. Also called: ARRHYTHMOGENIC RIGHT VENTRICULAR CARDIOMYOPATHY 13; Arrhythmogenic right ventricular dysplasia, familial, 13. Identifiers: MedGen C3810138, MONDO:0000908, OMIM 615616.

Allele frequency attached by ClinVar (database versions not stated): TOPMed below 0.00001; gnomAD 0.00001.
gnomAD v4.1: 17 of 1,611,348 alleles (0.0011%); highest among the groups gnomAD compares: Non-Finnish European, 0.0014%; 1 homozygote.

Submissions (2):

Labcorp Genetics (formerly Invitae), Labcorp
Classification: Uncertain significance for Arrhythmogenic right ventricular dysplasia 13. Last evaluated: 2025-11-24. Review status: criteria provided, single submitter. Criteria: Invitae Variant Classification Sherloc (09022015). Collection method: clinical testing. Allele origin: germline.
Comment: This sequence change replaces glutamic acid, which is acidic and polar, with glutamine, which is neutral and polar, at codon 159 of the CTNNA3 protein (p.Glu159Gln). This variant is present in population databases (no rsID available, gnomAD 0.01%). This variant has not been reported in the literature in individuals affected with CTNNA3-related conditions. ClinVar contains an entry for this variant (Variation ID: 1742896). Invitae Evidence Modeling of protein sequence and biophysical properties (such as structural, functional, and spatial information, amino acid conservation, physicochemical variation, residue mobility, and thermodynamic stability) indicates that this missense variant is not expected to disrupt CTNNA3 protein function with a negative predictive value of 80%. In summary, the available evidence is currently insufficient to determine the role of this variant in disease. Therefore, it has been classified as a Variant of Uncertain Significance.

Ambry Genetics
Classification: Uncertain significance. Last evaluated: 2025-05-15. Review status: criteria provided, single submitter. Criteria: Ambry Variant Classification Scheme 2023. Collection method: clinical testing. Allele origin: germline.
Comment: The p.E159Q variant (also known as c.475G>C), located in coding exon 4 of the CTNNA3 gene, results from a G to C substitution at nucleotide position 475. The glutamic acid at codon 159 is replaced by glutamine, an amino acid with highly similar properties. This amino acid position is conserved. In addition, this alteration is predicted to be tolerated by in silico analysis. Since supporting evidence is limited at this time, the clinical significance of this alteration remains unclear.